The following is an entry in ClinVar:

ClinVar aggregate classification (germline): Pathogenic/Likely pathogenic. Review status: criteria provided, multiple submitters, no conflicts (2 of 4 stars). 4 submissions from 4 submitters: Pathogenic (3); Likely pathogenic (1). Last evaluated 2025-12-06.

Conditions:
Metachromatic leukodystrophy (MLD). Also called: Cerebral sclerosis diffuse metachromatic form; Arylsulfatase A Deficiency; METACHROMATIC LEUKOENCEPHALOPATHY; SULFATIDE LIPIDOSIS; ARSA DEFICIENCY; CEREBROSIDE SULFATASE DEFICIENCY. Identifiers: Orphanet 512, MedGen C0023522, MONDO:0018868, OMIM 250100.

Submissions (4):

Labcorp Genetics (formerly Invitae), Labcorp
Classification: Pathogenic for Metachromatic leukodystrophy. Last evaluated: 2025-12-06. Review status: criteria provided, single submitter. Criteria: Invitae Variant Classification Sherloc (09022015). Collection method: clinical testing. Allele origin: germline.
Comment: This sequence change replaces proline, which is neutral and non-polar, with arginine, which is basic and polar, at codon 194 of the ARSA protein (p.Pro194Arg). This variant is not present in population databases (gnomAD no frequency). This missense change has been observed in individual(s) with ARSA-related conditions (PMID: 31186049, 32617873). In at least one individual the data is consistent with being in trans (on the opposite chromosome) from a pathogenic variant. It has also been observed to segregate with disease in related individuals. ClinVar contains an entry for this variant (Variation ID: 1411564). Invitae Evidence Modeling of protein sequence and biophysical properties (such as structural, functional, and spatial information, amino acid conservation, physicochemical variation, residue mobility, and thermodynamic stability) indicates that this missense variant is expected to disrupt ARSA protein function with a positive predictive value of 95%. For these reasons, this variant has been classified as Pathogenic.

Natera, Inc.
Classification: Pathogenic for Metachromatic leukodystrophy. Last evaluated: 2025-11-21. Review status: criteria provided, single submitter. Criteria: Natera Variant Classification Schema (03/2026). Collection method: clinical testing. Allele origin: germline.
Comment: The c.581C>G variant in ARSA is a missense variant predicted to cause substitution of proline to arginine at amino acid 194. This variant is rare in the general population with a frequency below the threshold expected for the associated phenotype(s). This variant has been observed in one or more individuals affected with the associated recessive disease, as either homozygous or compound heterozygous with a second variant (PMID: 38775997, 32617873, 36240581). Additionally, this variant has been observed to segregate in affected family members (PMID: 36240581). Functional studies show that this variant may disrupt protein function (PMID: 38775997). Computational prediction algorithms indicate this variant is likely to affect gene or protein function. Given the available evidence, this variant is classified as Pathogenic.

Myriad Genetics, Inc.
Classification: Likely pathogenic for Metachromatic leukodystrophy. Last evaluated: 2025-05-31. Review status: criteria provided, single submitter. Criteria: Myriad Autosomal Dominant, Autosomal Recessive and X-Linked Classification Criteria (2023). Collection method: clinical testing. Allele origin: unknown.
Comment: NM_000487.5(ARSA):c.581C>G(P194R) is a missense variant classified as likely pathogenic in the context of metachromatic leukodystrophy. P194R has been observed in cases with relevant disease (PMID: 32617873, Chen_2006_(Book Chapter), 31186049, Khorrami_2016_(Abstract), 38775997). Relevant functional assessments of this variant are available in the literature (PMID: 38775997). P194R has not been observed in referenced population frequency databases. In summary, NM_000487.5(ARSA):c.581C>G(P194R) is a missense variant that has functional support for pathogenicity and has been observed more frequently in cases with the relevant disease than in healthy populations. Please note: this variant was assessed in the context of healthy population screening.

Women's Health and Genetics/Laboratory Corporation of America, LabCorp
Classification: Pathogenic for Metachromatic leukodystrophy. Last evaluated: 2024-11-25. Review status: criteria provided, single submitter. Criteria: LabCorp Variant Classification Summary - May 2015. Collection method: clinical testing. Allele origin: germline.
Comment: Variant summary: ARSA c.581C>G (p.Pro194Arg) results in a non-conservative amino acid change in the encoded protein sequence. Three of four in-silico tools predict a damaging effect of the variant on protein function. The variant was absent in 249122 control chromosomes (gnomAD). c.581C>G has been reported in the literature in individuals affected with metachromatic leukodystrophy (examples: Elgun_2019, Li_2024, Wu_2021). These data indicate that the variant is likely to be associated with disease. In vitro functional studies reveal low enzymatic activity for the variant compared to wild-type (Li_2024). The following publications have been ascertained in the context of this evaluation (PMID: 31186049, 38775997, 32617873). ClinVar contains an entry for this variant (Variation ID: 1411564). Based on the evidence outlined above, the variant was classified as pathogenic.

Literature cited by the submitters: PubMed 31186049 (cited by Labcorp Genetics (formerly Invitae), Labcorp and Women's Health and Genetics/Laboratory Corporation of America, LabCorp); PubMed 32617873 (cited by 3 submitters); PubMed 38775997 (cited by 3 submitters); PubMed 36240581 (cited by Natera, Inc.).

NM_000487.6(ARSA):c.581C>G (p.Pro194Arg)

Gene: ARSA (arylsulfatase A; minus strand). Cytogenetic location: 22q13.33.
Variant type: single nucleotide variant.
Coding change: c.581C>G on transcript NM_000487.6 (MANE Select); coding-DNA position 581, C replaced by G.
Protein change: p.Pro194Arg; replaces proline 194 with arginine.
Molecular consequence: missense variant.
Genome position (GRCh38, 1-based): chr22:50,626,937, G>C on the plus strand (C>G on the coding strand, the complement: ARSA is on the minus strand). VCF-style: chr22-50626937-G-C. GRCh37 (hg19) VCF-style: chr22-51065365-G-C.
Other names: c.581C>G, p.Pro194Arg (NM_001085425.3, NM_001085426.3, NM_001085427.3); c.323C>G, p.Pro108Arg (NM_001085428.3, NM_001362782.2); c.581C>G (NM_000487.5); short protein forms P194R, P108R.
Identifiers: ClinVar variation 1411564 (VCV001411564.13), dbSNP rs769492279, ClinGen allele CA412177449.